The following is an entry in ClinVar:

NM_000204.5(CFI):c.1443C>T (p.Val481=)

Gene: CFI (complement factor I; minus strand). Cytogenetic location: 4q25.
Variant type: single nucleotide variant.
Coding change: c.1443C>T on transcript NM_000204.5 (MANE Select); coding-DNA position 1443, C replaced by T.
Protein change: p.Val481=; no amino-acid change (valine 481 retained).
Molecular consequence: synonymous variant. On other transcripts: non-coding transcript variant (3).
Genome position (GRCh38, 1-based): chr4:109,742,582, G>A on the plus strand (C>T on the coding strand, the complement: CFI is on the minus strand). VCF-style: chr4-109742582-G-A. GRCh37 (hg19) VCF-style: chr4-110663738-G-A.
Other names: p.Val481=; c.1467C>T, p.Val489= (NM_001318057.2, NM_001375278.1); c.1422C>T, p.Val474= (NM_001331035.2, NM_001375280.1, NM_001375282.1); c.1443C>T, p.Val481= (NM_001375279.1, NM_001375281.1); c.1386C>T, p.Val462= (NM_001375283.1); c.834C>T, p.Val278= (NM_001375284.1).
Identifiers: ClinVar variation 347150 (VCV000347150.19), dbSNP rs114091883, ClinGen allele CA3041894.
Genomic context (GRCh38, chr4:109,742,582, plus strand): 5'-ATTTCCGTAAAACTTAGAGCAGTTGCTTATTAGTTTAACTTCACCCCACTGAAGTGAAAA[G>A]ACTCTTTCGTTATCTAAACAAAGTGAGAAAGCAAACATTTAGAAGTCACAAATGAGAAAT-3'
Protein context (NP_000195.3, residues 471-491): GWGREKDNER[Val481=]FSLQWGEVKL

ClinVar aggregate classification (germline): Benign/Likely benign. Review status: criteria provided, multiple submitters, no conflicts (2 of 4 stars). 8 submissions from 8 submitters: Benign (2); Likely benign (3). 3 of the submissions do not count toward it. Last evaluated 2026-02-01.

Conditions:
Atypical hemolytic-uremic syndrome with I factor anomaly. Also called: HEMOLYTIC UREMIC SYNDROME, ATYPICAL, SUSCEPTIBILITY TO, 3; AHUS, SUSCEPTIBILITY TO, 3. Identifiers: Orphanet 2134, MedGen C2752039, MONDO:0013041, OMIM 612923.
Age related macular degeneration 13. Identifiers: MedGen C3809523, MONDO:0014189, OMIM 615439.
Factor I deficiency (CFID). Also called: Complement factor I deficiency. Identifiers: Orphanet 200418, MedGen C3463916, MONDO:0012594, OMIM 610984.

Allele frequency attached by ClinVar (database versions not stated): gnomAD exomes 0.00020 and 0.00049; ExAC 0.00056; 1000 Genomes Project 0.00140; 1000 Genomes Project 30x 0.00141; TOPMed 0.00176; gnomAD 0.00178 and 0.00190; ESP Exome Variant Server 0.00223.
gnomAD v4.1: 559 of 1,607,818 alleles (0.035%); highest among the groups gnomAD compares: African/African-American, 0.7%; 1 homozygote.

Submissions (8):

Labcorp Genetics (formerly Invitae), Labcorp
Classification: Benign. Last evaluated: 2026-02-01. Review status: criteria provided, single submitter. Criteria: Invitae Variant Classification Sherloc (09022015). Collection method: clinical testing. Allele origin: germline.

Mayo Clinic Laboratories, Mayo Clinic
Classification: Likely benign. Last evaluated: 2025-09-29. Review status: criteria provided, single submitter. Criteria: ACMG Guidelines, 2015. Collection method: clinical testing. Allele origin: germline. Observed: 10 variant alleles.
Comment: BP4, BP7

Blueprint Genetics
Classification: Likely benign. Last evaluated: 2024-11-25. Review status: criteria provided, single submitter. Criteria: ACMG Guidelines, 2015. Collection method: clinical testing. Allele origin: germline.

Fulgent Genetics
Classification: Likely benign for Factor I deficiency; Atypical hemolytic-uremic syndrome with I factor anomaly; Age related macular degeneration 13. Last evaluated: 2021-08-31. Review status: criteria provided, single submitter. Criteria: ACMG Guidelines, 2015. Collection method: clinical testing. Allele origin: unknown.

Illumina Laboratory Services, Illumina
Classification: Benign for Atypical hemolytic-uremic syndrome with I factor anomaly. Last evaluated: 2018-01-12. Review status: criteria provided, single submitter. Criteria: ICSL Variant Classification Criteria 13 December 2019. Collection method: clinical testing. Allele origin: germline.
Comment: This variant was observed in the ICSL laboratory as part of a predisposition screen in an ostensibly healthy population. It had not been previously curated by ICSL or reported in the Human Gene Mutation Database (HGMD: prior to June 1st, 2018), and was therefore a candidate for classification through an automated scoring system. Utilizing variant allele frequency, disease prevalence and penetrance estimates, and inheritance mode, an automated score was calculated to assess if this variant is too frequent to cause the disease. Based on the score and internal cut-off values, a variant classified as benign is not then subjected to further curation. The score for this variant resulted in a classification of benign for this disease.

Clinical Genetics DNA and cytogenetics Diagnostics Lab, Erasmus MC, Erasmus Medical Center
Classification: Likely benign. Review status: no assertion criteria provided. Collection method: clinical testing. Allele origin: germline. Affected: yes. Study: VKGL Data-share Consensus. Not counted in ClinVar's aggregate classification.

Genome Diagnostics Laboratory, University Medical Center Utrecht
Classification: Likely benign. Review status: no assertion criteria provided. Collection method: clinical testing. Allele origin: germline. Affected: yes. Study: VKGL Data-share Consensus. Not counted in ClinVar's aggregate classification.

Joint Genome Diagnostic Labs from Nijmegen and Maastricht, Radboudumc and MUMC+
Classification: Likely benign. Review status: no assertion criteria provided. Collection method: clinical testing. Allele origin: germline. Affected: yes. Study: VKGL Data-share Consensus. Not counted in ClinVar's aggregate classification.